The following is an entry in ClinVar:

NM_018897.3(DNAH7):c.6916A>G (p.Ile2306Val)

Gene: DNAH7 (dynein axonemal heavy chain 7; minus strand). Cytogenetic location: 2q32.3.
Variant type: single nucleotide variant.
Coding change: c.6916A>G on transcript NM_018897.3 (MANE Select); coding-DNA position 6916, A replaced by G.
Protein change: p.Ile2306Val; replaces isoleucine 2306 with valine.
Molecular consequence: missense variant.
Genome position (GRCh38, 1-based): chr2:195,864,739, T>C on the plus strand (A>G on the coding strand, the complement: DNAH7 is on the minus strand). VCF-style: chr2-195864739-T-C. GRCh37 (hg19) VCF-style: chr2-196729463-T-C.
Other names: short protein forms I2306V.
Identifiers: ClinVar variation 3899007 (VCV003899007.1).

ClinVar aggregate classification (germline): Uncertain significance (1 of 4 stars; one submission).

gnomAD v4.1: 24 of 1,614,260 alleles (0.0015%); highest among the groups gnomAD compares: East Asian, 0.0022%; no homozygotes.

Submission:

GeneDx
Classification: Uncertain significance. Last evaluated: 2024-11-10. Review status: criteria provided, single submitter. Criteria: GeneDx Variant Classification Process June 2021. Collection method: clinical testing. Allele origin: germline. Affected: yes.
Comment: In silico analysis suggests that this missense variant does not alter protein structure/function, but splice predictors indicate that the variant may lead to abnormal gene splicing; Has not been previously published as pathogenic or benign to our knowledge